The following is an entry in ClinVar:

NM_005732.4(RAD50):c.3122A>C (p.His1041Pro)

Gene: RAD50 (RAD50 double strand break repair protein; plus strand). Cytogenetic location: 5q31.1.
Variant type: single nucleotide variant.
Coding change: c.3122A>C on transcript NM_005732.4 (MANE Select); coding-DNA position 3122, A replaced by C.
Protein change: p.His1041Pro; replaces histidine 1041 with proline.
Molecular consequence: missense variant.
Genome position (GRCh38, 1-based): chr5:132,616,088, A>C. VCF-style: chr5-132616088-A-C. GRCh37 (hg19) VCF-style: chr5-131951780-A-C.
Other names: short protein forms H1041P.
Identifiers: ClinVar variation 1954456 (VCV001954456.5), dbSNP rs149577978, ClinGen allele CA360963739.
Genomic context (GRCh38, chr5:132,616,088, plus strand): 5'-ACCTTACTTTAAGAAAAAGAAATGAGGAACTAAAAGAAGTTGAAGAAGAAAGAAAACAAC[A>C]TTTGAAGGAAATGGGTCAAATGCAGGTTTTGCAAATGAAAAGGTATGCTTTTAAAATAAT-3'
Protein context (NP_005723.2, residues 1031-1051): LKEVEEERKQ[His1041Pro]LKEMGQMQVL

ClinVar aggregate classification (germline): Uncertain significance (1 of 4 stars; one submission).

Conditions:
Hereditary cancer-predisposing syndrome. Also called: Hereditary neoplastic syndrome; Tumor predisposition; Hereditary Cancer Syndrome; Neoplastic Syndromes, Hereditary. Identifiers: Orphanet 140162, MedGen C0027672, MeSH D009386, MONDO:0015356.

Submission:

Labcorp Genetics (formerly Invitae), Labcorp
Classification: Uncertain significance for Hereditary cancer-predisposing syndrome. Last evaluated: 2022-10-04. Review status: criteria provided, single submitter. Criteria: Invitae Variant Classification Sherloc (09022015). Collection method: clinical testing. Allele origin: germline.
Comment: This variant has not been reported in the literature in individuals affected with RAD50-related conditions. This variant is not present in population databases (gnomAD no frequency). This sequence change replaces histidine, which is basic and polar, with proline, which is neutral and non-polar, at codon 1041 of the RAD50 protein (p.His1041Pro). Advanced modeling of protein sequence and biophysical properties (such as structural, functional, and spatial information, amino acid conservation, physicochemical variation, residue mobility, and thermodynamic stability) performed at Invitae indicates that this missense variant is not expected to disrupt RAD50 protein function. In summary, the available evidence is currently insufficient to determine the role of this variant in disease. Therefore, it has been classified as a Variant of Uncertain Significance.